The following is an entry in ClinVar:

NM_000097.7(CPOX):c.81G>T (p.Trp27Cys)

Genes: CPOX (coproporphyrinogen oxidase; minus strand), LOC129937121 (ATAC-STARR-seq lymphoblastoid silent region 14560; plus strand). Cytogenetic location: 3q11.2.
Variant type: single nucleotide variant.
Coding change: c.81G>T on transcript NM_000097.7 (MANE Select); coding-DNA position 81, G replaced by T.
Protein change: p.Trp27Cys; replaces tryptophan 27 with cysteine.
Molecular consequence: missense variant.
Genome position (GRCh38, 1-based): chr3:98,593,424, C>A on the plus strand (G>T on the coding strand, the complement: CPOX is on the minus strand). VCF-style: chr3-98593424-C-A. GRCh37 (hg19) VCF-style: chr3-98312268-C-A.
Other names: short protein forms W27C.
Identifiers: ClinVar variation 2887261 (VCV002887261.3), dbSNP rs1195836059, ClinGen allele CA353647187.

ClinVar aggregate classification (germline): Uncertain significance (1 of 4 stars; one submission).

Allele frequency attached by ClinVar (database versions not stated): gnomAD exomes below 0.00001.
gnomAD v4.1: 2 of 1,467,798 alleles (0.00014%); highest among the groups gnomAD compares: Non-Finnish European, 0.00018%; no homozygotes.

Submission:

Labcorp Genetics (formerly Invitae), Labcorp
Classification: Uncertain significance. Last evaluated: 2023-06-07. Review status: criteria provided, single submitter. Criteria: Invitae Variant Classification Sherloc (09022015). Collection method: clinical testing. Allele origin: germline.
Comment: This variant has not been reported in the literature in individuals affected with CPOX-related conditions. An algorithm developed to predict the effect of missense changes on protein structure and function (PolyPhen-2) suggests that this variant is likely to be disruptive. In summary, the available evidence is currently insufficient to determine the role of this variant in disease. Therefore, it has been classified as a Variant of Uncertain Significance. This sequence change replaces tryptophan, which is neutral and slightly polar, with cysteine, which is neutral and slightly polar, at codon 27 of the CPOX protein (p.Trp27Cys). The frequency data for this variant in the population databases is considered unreliable, as metrics indicate poor data quality at this position in the gnomAD database.